The following is an entry in ClinVar:

NM_015662.3(IFT172):c.1524+10G>A

Gene: IFT172 (intraflagellar transport 172; minus strand). Cytogenetic location: 2p23.3.
Variant type: single nucleotide variant.
Coding change: c.1524+10G>A on transcript NM_015662.3 (MANE Select); 10 bases into the intron after coding-DNA position 1524, G replaced by A.
Molecular consequence: intron variant.
Genome position (GRCh38, 1-based): chr2:27,472,240, C>T on the plus strand (G>A on the coding strand, the complement: IFT172 is on the minus strand). VCF-style: chr2-27472240-C-T. GRCh37 (hg19) VCF-style: chr2-27695107-C-T.
Other names: c.1524+10G>A (NM_015662.2).
Identifiers: ClinVar variation 2039174 (VCV002039174.5), dbSNP rs540071925, ClinGen allele CA1580623.
Genomic context (GRCh38, chr2:27,472,240, plus strand): 5'-CCCTGGTGGCAGCTTGTCTCACACCCTCTGTGGGCCAGCCAATGCCTAAGGCCTTAGTAG[C>T]TCTTCTCACACGAAGTTTCCGGTCCCTGAAGAGGAGCTTGTGTCCAGTCTCATTAAGTTC-3'

ClinVar aggregate classification (germline): Likely benign. Review status: criteria provided, multiple submitters, no conflicts (2 of 4 stars). 2 submissions from 2 submitters: Likely benign (2). Last evaluated 2025-02-27.

Conditions:
Short-rib thoracic dysplasia 10 with or without polydactyly (SRTD10). Identifiers: Orphanet 474, MedGen C3810175, MONDO:0014284, OMIM 615630.
Retinitis pigmentosa 71 (RP71). Identifiers: Orphanet 791, MedGen C4225342, MONDO:0014618, OMIM 616394.
IFT172-related disorder. Also called: IFT172-related condition; IFT172-related disorders.

Allele frequency attached by ClinVar (database versions not stated): gnomAD exomes below 0.00001; gnomAD 0.00001; ExAC 0.00002; TOPMed 0.00004; 1000 Genomes Project 30x 0.00016; 1000 Genomes Project 0.00020.
gnomAD v4.1: 7 of 1,604,278 alleles (0.00044%); highest among the groups gnomAD compares: Middle Eastern, 0.017%; no homozygotes.

Submissions (2):

PreventionGenetics, part of Exact Sciences
Classification: Likely benign for IFT172-related condition. Last evaluated: 2025-02-27. Review status: criteria provided, single submitter. Criteria: ACMG Guidelines, 2015. Collection method: clinical testing. Allele origin: germline.
Comment: This variant is classified as likely benign based on ACMG/AMP sequence variant interpretation guidelines (Richards et al. 2015 PMID: 25741868, with internal and published modifications).

Labcorp Genetics (formerly Invitae), Labcorp
Classification: Likely benign for Retinitis pigmentosa 71; Short-rib thoracic dysplasia 10 with or without polydactyly. Last evaluated: 2024-12-27. Review status: criteria provided, single submitter. Criteria: Invitae Variant Classification Sherloc (09022015). Collection method: clinical testing. Allele origin: germline.